The following is an entry in ClinVar:

ClinVar aggregate classification (germline): Uncertain significance. Review status: criteria provided, multiple submitters, no conflicts (2 of 4 stars). 2 submissions from 2 submitters: Uncertain significance (2). Last evaluated 2025-01-20.

Conditions:
Cardiovascular phenotype. Identifiers: MedGen CN230736.
Distal myopathy with posterior leg and anterior hand involvement. Also called: WILLIAMS DISTAL MYOPATHY. Identifiers: Orphanet 63273, MedGen C3279722, MONDO:0013550, OMIM 614065.
Myofibrillar myopathy 5. Also called: FILAMINOPATHY, AUTOSOMAL DOMINANT; Filaminopathy (type). Identifiers: Orphanet 171445, MedGen C1836050, MONDO:0012289, OMIM 609524.
Hypertrophic cardiomyopathy 26. Also called: Cardiomyopathy, familial hypertrophic, 26. Identifiers: Orphanet 75249, MedGen C4310749, MONDO:0014883, OMIM 617047.

gnomAD v4.1: 1 of 1,614,070 alleles (0.000062%); highest among the groups gnomAD compares: Non-Finnish European, 0.000085%; no homozygotes.

Submissions (2):

Labcorp Genetics (formerly Invitae), Labcorp
Classification: Uncertain significance for Distal myopathy with posterior leg and anterior hand involvement; Myofibrillar myopathy 5; Hypertrophic cardiomyopathy 26. Last evaluated: 2025-01-20. Review status: criteria provided, single submitter. Criteria: Invitae Variant Classification Sherloc (09022015). Collection method: clinical testing. Allele origin: germline.
Comment: This sequence change replaces glycine, which is neutral and non-polar, with aspartic acid, which is acidic and polar, at codon 483 of the FLNC protein (p.Gly483Asp). This variant is not present in population databases (gnomAD no frequency). This variant has not been reported in the literature in individuals affected with FLNC-related conditions. ClinVar contains an entry for this variant (Variation ID: 577706). Invitae Evidence Modeling of protein sequence and biophysical properties (such as structural, functional, and spatial information, amino acid conservation, physicochemical variation, residue mobility, and thermodynamic stability) has been performed for this missense variant. However, the output from this modeling did not meet the statistical confidence thresholds required to predict the impact of this variant on FLNC protein function. In summary, the available evidence is currently insufficient to determine the role of this variant in disease. Therefore, it has been classified as a Variant of Uncertain Significance.

Ambry Genetics
Classification: Uncertain significance for Cardiovascular phenotype. Last evaluated: 2023-02-16. Review status: criteria provided, single submitter. Criteria: Ambry Variant Classification Scheme 2023. Collection method: clinical testing. Allele origin: germline.
Comment: The p.G483D variant (also known as c.1448G>A), located in coding exon 9 of the FLNC gene, results from a G to A substitution at nucleotide position 1448. The glycine at codon 483 is replaced by aspartic acid, an amino acid with similar properties. This amino acid position is conserved. In addition, this alteration is predicted to be deleterious by in silico analysis. Since supporting evidence is limited at this time, the clinical significance of this alteration remains unclear.

NM_001458.5(FLNC):c.1448G>A (p.Gly483Asp)

Gene: FLNC (filamin C; plus strand). Cytogenetic location: 7q32.1.
Variant type: single nucleotide variant.
Coding change: c.1448G>A on transcript NM_001458.5 (MANE Select); coding-DNA position 1448, G replaced by A.
Protein change: p.Gly483Asp; replaces glycine 483 with aspartic acid.
Molecular consequence: missense variant.
Genome position (GRCh38, 1-based): chr7:128,840,059, G>A. VCF-style: chr7-128840059-G-A. GRCh37 (hg19) VCF-style: chr7-128480113-G-A.
Other names: c.1448G>A, p.Gly483Asp (NM_001127487.2); short protein forms G483D.
Identifiers: ClinVar variation 577706 (VCV000577706.13), dbSNP rs1562993476, ClinGen allele CA369225530.